The following is an entry in ClinVar:

ClinVar aggregate classification (germline): Uncertain significance. Review status: criteria provided, multiple submitters, no conflicts (2 of 4 stars). 2 submissions from 2 submitters: Uncertain significance (2). Last evaluated 2022-08-13.

Conditions:
Hereditary cancer-predisposing syndrome. Also called: Neoplastic Syndromes, Hereditary; Tumor predisposition; Hereditary Cancer Syndrome; Hereditary neoplastic syndrome. Identifiers: Orphanet 140162, MedGen C0027672, MeSH D009386, MONDO:0015356.
Familial adenomatous polyposis 1 (FAP1). Also called: FAMILIAL ADENOMATOUS POLYPOSIS 1, ATTENUATED; POLYPOSIS, ADENOMATOUS INTESTINAL. Identifiers: MedGen C2713442, MONDO:0021056, OMIM 175100. Disease mechanism: loss of function.

Allele frequency attached by ClinVar (database versions not stated): gnomAD exomes below 0.00001.
gnomAD v4.1: 2 of 1,614,114 alleles (0.00012%); highest among the groups gnomAD compares: South Asian, 0.0011%; no homozygotes.

Submissions (2):

Labcorp Genetics (formerly Invitae), Labcorp
Classification: Uncertain significance for Familial adenomatous polyposis 1. Last evaluated: 2022-08-13. Review status: criteria provided, single submitter. Criteria: Invitae Variant Classification Sherloc (09022015). Collection method: clinical testing. Allele origin: germline.
Comment: In summary, the available evidence is currently insufficient to determine the role of this variant in disease. Therefore, it has been classified as a Variant of Uncertain Significance. Algorithms developed to predict the effect of missense changes on protein structure and function are either unavailable or do not agree on the potential impact of this missense change (SIFT: "Tolerated"; PolyPhen-2: "Possibly Damaging"; Align-GVGD: "Class C0"). This variant has not been reported in the literature in individuals affected with APC-related conditions. This variant is not present in population databases (gnomAD no frequency). This sequence change replaces glycine, which is neutral and non-polar, with arginine, which is basic and polar, at codon 1094 of the APC protein (p.Gly1094Arg).

Ambry Genetics
Classification: Uncertain significance for Hereditary cancer-predisposing syndrome. Last evaluated: 2022-03-25. Review status: criteria provided, single submitter. Criteria: Ambry Variant Classification Scheme 2023. Collection method: clinical testing. Allele origin: germline.
Comment: The p.G1094R variant (also known as c.3280G>A), located in coding exon 15 of the APC gene, results from a G to A substitution at nucleotide position 3280. The glycine at codon 1094 is replaced by arginine, an amino acid with dissimilar properties. This amino acid position is conserved. In addition, in silico predictors for this gene do not accurately predict pathogenicity. Since supporting evidence is limited at this time, the clinical significance of this alteration remains unclear.

NM_000038.6(APC):c.3280G>A (p.Gly1094Arg)

Gene: APC (APC regulator of Wnt signaling pathway; plus strand). Cytogenetic location: 5q22.2.
Variant type: single nucleotide variant.
Coding change: c.3280G>A on transcript NM_000038.6 (MANE Select); coding-DNA position 3280, G replaced by A.
Protein change: p.Gly1094Arg; replaces glycine 1094 with arginine.
Molecular consequence: missense variant.
Genome position (GRCh38, 1-based): chr5:112,838,874, G>A. VCF-style: chr5-112838874-G-A. GRCh37 (hg19) VCF-style: chr5-112174571-G-A.
Other names: c.3280G>A, p.Gly1094Arg (NM_001127510.3, NM_001354895.2, NM_001407450.1); c.3226G>A, p.Gly1076Arg (NM_001127511.3); c.3334G>A, p.Gly1112Arg (NM_001354896.2, NM_001407447.1, NM_001407448.1 and 1 more transcripts); c.3310G>A, p.Gly1104Arg (NM_001354897.2); c.3205G>A, p.Gly1069Arg (NM_001354898.2); c.3196G>A, p.Gly1066Arg (NM_001354899.2); c.3157G>A, p.Gly1053Arg (NM_001354900.2); c.3103G>A, p.Gly1035Arg (NM_001354901.2, NM_001407453.1); and 11 more; short protein forms G1003R, G1076R, G811R, G1011R, G1035R, G1069R, G1087R, G1094R.
Identifiers: ClinVar variation 1729734 (VCV001729734.7), dbSNP rs2149888635, ClinGen allele CA16028533.